The following is an entry in ClinVar:

ClinVar aggregate classification (germline): Benign/Likely benign. Review status: criteria provided, multiple submitters, no conflicts (2 of 4 stars). 2 submissions from 2 submitters: Benign (1); Likely benign (1). Last evaluated 2025-02-16.

Conditions:
MELAS syndrome (MELAS). Also called: Juvenile myopathy, encephalopathy, lactic acidosis, stroke. Identifiers: Orphanet 550, MedGen C0162671, MONDO:0010789, OMIM 540000.

Submissions (2):

Laboratory of Genetics, Children's Clinical University Hospital Latvia
Classification: Likely benign. Last evaluated: 2025-02-16. Review status: criteria provided, single submitter. Criteria: ACMG Guidelines, 2015. Collection method: clinical testing. Allele origin: germline. Affected: yes.

Wong Mito Lab, Molecular and Human Genetics, Baylor College of Medicine
Classification: Benign for MELAS syndrome. Last evaluated: 2019-07-12. Review status: criteria provided, single submitter. Criteria: Modified ACMG Guidelines (Unpublished). Collection method: clinical testing. Allele origin: germline.
Comment: The NC_012920.1:m.4452T>C variant in MT-TM gene is interpreted to be a Benign variant based on the modified ACMG guidelines (unpublished). This variant meets the following evidence codes reported in the guidelines: BS1, BS2, BP4

Literature cited by the submitters: PubMed 31965079 (cited by Wong Mito Lab, Molecular and Human Genetics, Baylor College of Medicine).

NC_012920.1(MT-TM):m.4452T>C

Gene: MT-TM (mitochondrially encoded tRNA methionine; plus strand).
Variant type: single nucleotide variant.
Genome position: chrM-4452-T-C.
Identifiers: ClinVar variation 689915 (VCV000689915.2), dbSNP rs377043134, ClinGen allele CA337096875.